The following is an entry in ClinVar:

NM_013335.4(GMPPA):c.40+15G>A

Genes: ASIC4-AS1 (ASIC4 antisense RNA 1; minus strand), GMPPA (GDP-mannose pyrophosphorylase A; plus strand). Cytogenetic location: 2q35.
Variant type: single nucleotide variant.
Coding change: c.40+15G>A on transcript NM_013335.4 (MANE Select); 15 bases into the intron after coding-DNA position 40, G replaced by A.
Molecular consequence: intron variant.
Genome position (GRCh38, 1-based): chr2:219,500,030, G>A. VCF-style: chr2-219500030-G-A. GRCh37 (hg19) VCF-style: chr2-220364752-G-A.
Other names: c.40+15G>A (NM_205847.3).
Identifiers: ClinVar variation 382390 (VCV000382390.8), dbSNP rs80239182, ClinGen allele CA2128006.

ClinVar aggregate classification (germline): Benign/Likely benign. Review status: criteria provided, multiple submitters, no conflicts (2 of 4 stars). 4 submissions from 4 submitters: Benign (2); Likely benign (2). Last evaluated 2025-11-03.

Conditions:
Alacrima, achalasia, and impaired intellectual development syndrome. Also called: Alacrima, achalasia, and mental retardation syndrome; Alacrima, achalasia, and intellectual disability syndrome. Identifiers: Orphanet 869, MedGen C4706563, MONDO:0014219, OMIM 615510.

Allele frequency attached by ClinVar (database versions not stated): gnomAD 0.00917 and 0.00978; gnomAD exomes 0.00096 and 0.00246; 1000 Genomes Project 0.01078; ExAC 0.00298; TOPMed 0.01021; 1000 Genomes Project 30x 0.01109; ESP Exome Variant Server 0.01115.
gnomAD v4.1: 2,862 of 1,613,362 alleles (0.18%); highest among the groups gnomAD compares: African/African-American, 3.3%; 47 homozygotes.

Submissions (4):

Labcorp Genetics (formerly Invitae), Labcorp
Classification: Benign for Alacrima, achalasia, and impaired intellectual development syndrome. Last evaluated: 2025-11-03. Review status: criteria provided, single submitter. Criteria: Invitae Variant Classification Sherloc (09022015). Collection method: clinical testing. Allele origin: germline.

Center for Pediatric Genomic Medicine, Children's Mercy Hospital and Clinics
Classification: Likely benign. Last evaluated: 2017-06-12. Review status: criteria provided, single submitter. Criteria: ACMG Guidelines, 2015. Collection method: clinical testing. Allele origin: germline.

GeneDx
Classification: Benign. Last evaluated: 2016-02-15. Review status: criteria provided, single submitter. Criteria: GeneDx Variant Classification (06012015). Collection method: clinical testing. Allele origin: germline. Affected: yes.
Comment: This variant is considered likely benign or benign based on one or more of the following criteria: it is a conservative change, it occurs at a poorly conserved position in the protein, it is predicted to be benign by multiple in silico algorithms, and/or has population frequency not consistent with disease.

Breakthrough Genomics
Classification: Likely benign. Review status: criteria provided, single submitter. Criteria: ACMG Guidelines, 2015. Collection method: not provided. Allele origin: germline. Inheritance: Autosomal recessive inheritance. Affected: yes.